The following is an entry in ClinVar:

ClinVar aggregate classification (germline): Conflicting classifications of pathogenicity. Review status: criteria provided, conflicting classifications (1 of 4 stars). 7 submissions from 7 submitters: Uncertain significance (1); Benign (2); Likely benign (4). Last evaluated 2026-05-20.

Conditions:
Hereditary cancer-predisposing syndrome. Also called: Tumor predisposition; Hereditary neoplastic syndrome; Neoplastic Syndromes, Hereditary; Hereditary Cancer Syndrome. Identifiers: Orphanet 140162, MedGen C0027672, MeSH D009386, MONDO:0015356.
Neurofibromatosis, type 1 (NF1). Also called: Neurofibromatosis, type I; NEUROFIBROMATOSIS, TYPE I, SOMATIC; VON RECKLINGHAUSEN DISEASE; Peripheral type neurofibromatosis. Identifiers: Orphanet 636, MedGen C0027831, MONDO:0018975, OMIM 162200. Disease mechanism: loss of function.

Allele frequency attached by ClinVar (database versions not stated): gnomAD exomes 0.00004 and 0.00001; TOPMed 0.00009; ExAC 0.00002; gnomAD 0.00006.
gnomAD v4.1: 23 of 1,613,196 alleles (0.0014%); highest among the groups gnomAD compares: African/African-American, 0.023%; no homozygotes.

Submissions (7):

Myriad Genetics, Inc.
Classification: Benign for Neurofibromatosis, type 1. Last evaluated: 2026-05-20. Review status: criteria provided, single submitter. Criteria: Myriad Autosomal Dominant, Autosomal Recessive and X-Linked Classification Criteria (2023). Collection method: clinical testing. Allele origin: unknown.
Comment: This variant is considered benign. This variant is a silent/synonymous amino acid change and it is not expected to impact splicing.

Labcorp Genetics (formerly Invitae), Labcorp
Classification: Likely benign for Neurofibromatosis, type 1. Last evaluated: 2026-02-03. Review status: criteria provided, single submitter. Criteria: Invitae Variant Classification Sherloc (09022015). Collection method: clinical testing. Allele origin: germline.

Quest Diagnostics Nichols Institute San Juan Capistrano
Classification: Benign. Last evaluated: 2025-10-29. Review status: criteria provided, single submitter. Criteria: Quest Diagnostics criteria. Collection method: clinical testing. Allele origin: unknown.

Women's Health and Genetics/Laboratory Corporation of America, LabCorp
Classification: Likely benign. Last evaluated: 2024-12-06. Review status: criteria provided, single submitter. Criteria: LabCorp Variant Classification Summary - May 2015. Collection method: clinical testing. Allele origin: germline.

GeneDx
Classification: Likely benign. Last evaluated: 2021-08-18. Review status: criteria provided, single submitter. Criteria: GeneDx Variant Classification Process June 2021. Collection method: clinical testing. Allele origin: germline. Affected: yes.

Genetic Services Laboratory, University of Chicago
Classification: Uncertain significance. Last evaluated: 2019-08-23. Review status: criteria provided, single submitter. Criteria: ACMG Guidelines, 2015. Collection method: clinical testing. Allele origin: germline. Affected: no.

Ambry Genetics
Classification: Likely benign for Hereditary cancer-predisposing syndrome. Last evaluated: 2014-11-26. Review status: criteria provided, single submitter. Criteria: Ambry Autosomal Dominant and X-Linked criteria (10/2015). Collection method: clinical testing. Allele origin: germline. Observed: 1 variant allele.

Literature cited by the submitters: PubMed 10678181 (cited by Women's Health and Genetics/Laboratory Corporation of America, LabCorp); PubMed 23460398 (cited by Women's Health and Genetics/Laboratory Corporation of America, LabCorp); PubMed 29872168 (cited by Women's Health and Genetics/Laboratory Corporation of America, LabCorp); PubMed 27069254 (cited by Women's Health and Genetics/Laboratory Corporation of America, LabCorp).

NM_001042492.3(NF1):c.5961G>A (p.Gln1987=)

Gene: NF1 (neurofibromin 1; plus strand). Cytogenetic location: 17q11.2.
Variant type: single nucleotide variant.
Coding change: c.5961G>A on transcript NM_001042492.3 (MANE Select); coding-DNA position 5961, G replaced by A.
Protein change: p.Gln1987=; no amino-acid change (glutamine 1987 retained).
Molecular consequence: synonymous variant.
Genome position (GRCh38, 1-based): chr17:31,334,986, G>A. VCF-style: chr17-31334986-G-A. GRCh37 (hg19) VCF-style: chr17-29662004-G-A.
Other names: c.5898G>A, p.Gln1966= (NM_000267.4).
Identifiers: ClinVar variation 187307 (VCV000187307.23), dbSNP rs757536610, ClinGen allele CA197308.
Genomic context (GRCh38, chr17:31,334,986, plus strand): 5'-ACGACAAAGAGTTACTGCTATTCTTGACAAGCTGATAACAATGACCATCAATGAAAAACA[G>A]ATGTACCCATCTATTCAAGCAAAAATATGGGGAAGCCTTGGGCAGGTATTGAGTTTGCTC-3'
Protein context (NP_001035957.1, residues 1977-1997): KLITMTINEK[Gln1987=]MYPSIQAKIW